The following is an entry in ClinVar:

NM_152703.5(SAMD9L):c.3304G>T (p.Ala1102Ser)

Gene: SAMD9L (sterile alpha motif domain containing 9 like; minus strand). Cytogenetic location: 7q21.2.
Variant type: single nucleotide variant.
Coding change: c.3304G>T on transcript NM_152703.5 (MANE Select); coding-DNA position 3304, G replaced by T.
Protein change: p.Ala1102Ser; replaces alanine 1102 with serine.
Molecular consequence: missense variant.
Genome position (GRCh38, 1-based): chr7:93,132,668, C>A on the plus strand (G>T on the coding strand, the complement: SAMD9L is on the minus strand). VCF-style: chr7-93132668-C-A. GRCh37 (hg19) VCF-style: chr7-92761981-C-A.
Other names: c.3304G>T, p.Ala1102Ser (NM_001303496.3, NM_001303497.3, NM_001303498.3 and 5 more transcripts); short protein forms A1102S.
Identifiers: ClinVar variation 3792203 (VCV003792203.1).

ClinVar aggregate classification (germline): Uncertain significance (1 of 4 stars; one submission).

Conditions:
Inborn genetic diseases. Identifiers: MedGen C0950123, MeSH D030342.

Submission:

Ambry Genetics
Classification: Uncertain significance for Inborn genetic diseases. Last evaluated: 2024-12-14. Review status: criteria provided, single submitter. Criteria: Ambry Variant Classification Scheme 2023. Collection method: clinical testing. Allele origin: germline.
Comment: The p.A1102S variant (also known as c.3304G>T), located in coding exon 1 of the SAMD9L gene, results from a G to T substitution at nucleotide position 3304. The alanine at codon 1102 is replaced by serine, an amino acid with similar properties. This amino acid position is conserved. In addition, the in silico prediction for this alteration is inconclusive. Based on the available evidence, the clinical significance of this variant remains unclear.